The following is an entry in ClinVar:

NM_001170700.3(DTHD1):c.992T>C (p.Met331Thr)

Gene: DTHD1 (death domain containing 1; plus strand). Cytogenetic location: 4p14.
Variant type: single nucleotide variant.
Coding change: c.992T>C on transcript NM_001170700.3 (MANE Select); coding-DNA position 992, T replaced by C.
Protein change: p.Met331Thr; replaces methionine 331 with threonine.
Molecular consequence: missense variant. On other transcripts: non-coding transcript variant (2).
Genome position (GRCh38, 1-based): chr4:36,290,477, T>C. VCF-style: chr4-36290477-T-C. GRCh37 (hg19) VCF-style: chr4-36292099-T-C.
Other names: c.122T>C, p.Met41Thr (NM_001136536.5, NM_001378435.1); short protein forms M331T, M41T.
Identifiers: ClinVar variation 3707535 (VCV003707535.2).
Genomic context (GRCh38, chr4:36,290,477, plus strand): 5'-GTTATATTACAGCACCATCATATGTTCTACAACAACTAGAATGCCGGATAATAAATCACA[T>C]GAGTTCTTTAATAGTGGGTGATAATGAAGAGTTAGTTAGCAACGTCATAACTATTGAATG-3'
Protein context (NP_001164171.2, residues 321-341): QQLECRIINH[Met331Thr]SSLIVGDNEE

ClinVar aggregate classification (germline): Uncertain significance (1 of 4 stars; one submission).

Submission:

Labcorp Genetics (formerly Invitae), Labcorp
Classification: Uncertain significance. Last evaluated: 2024-08-23. Review status: criteria provided, single submitter. Criteria: Invitae Variant Classification Sherloc (09022015). Collection method: clinical testing. Allele origin: germline.
Comment: This sequence change replaces methionine, which is neutral and non-polar, with threonine, which is neutral and polar, at codon 41 of the DTHD1 protein (p.Met41Thr). This variant is not present in population databases (gnomAD no frequency). This variant has not been reported in the literature in individuals affected with DTHD1-related conditions. An algorithm developed to predict the effect of missense changes on protein structure and function (PolyPhen-2) suggests that this variant is likely to be disruptive. In summary, the available evidence is currently insufficient to determine the role of this variant in disease. Therefore, it has been classified as a Variant of Uncertain Significance.